The following is an entry in ClinVar:

NM_017662.5(TRPM6):c.2119T>C (p.Cys707Arg)

Gene: TRPM6 (transient receptor potential cation channel subfamily M member 6; minus strand). Cytogenetic location: 9q21.13.
Variant type: single nucleotide variant.
Coding change: c.2119T>C on transcript NM_017662.5 (MANE Select); coding-DNA position 2119, T replaced by C.
Protein change: p.Cys707Arg; replaces cysteine 707 with arginine.
Molecular consequence: missense variant.
Genome position (GRCh38, 1-based): chr9:74,800,373, A>G on the plus strand (T>C on the coding strand, the complement: TRPM6 is on the minus strand). VCF-style: chr9-74800373-A-G. GRCh37 (hg19) VCF-style: chr9-77415289-A-G.
Other names: c.2104T>C, p.Cys702Arg (NM_001177310.2, NM_001177311.2); short protein forms C702R, C707R.
Identifiers: ClinVar variation 2066639 (VCV002066639.4), dbSNP rs766691310, ClinGen allele CA5084643.

ClinVar aggregate classification (germline): Uncertain significance (1 of 4 stars; one submission).

Allele frequency attached by ClinVar (database versions not stated): gnomAD exomes below 0.00001; ExAC 0.00001.
gnomAD v4.1: 2 of 1,614,120 alleles (0.00012%); highest among the groups gnomAD compares: Non-Finnish European, 0.00017%; no homozygotes.

Submission:

Labcorp Genetics (formerly Invitae), Labcorp
Classification: Uncertain significance. Last evaluated: 2021-12-31. Review status: criteria provided, single submitter. Criteria: Invitae Variant Classification Sherloc (09022015). Collection method: clinical testing. Allele origin: germline.
Comment: This sequence change replaces cysteine, which is neutral and slightly polar, with arginine, which is basic and polar, at codon 707 of the TRPM6 protein (p.Cys707Arg). This variant is present in population databases (rs766691310, gnomAD 0.0009%). This variant has not been reported in the literature in individuals affected with TRPM6-related conditions. Algorithms developed to predict the effect of missense changes on protein structure and function are either unavailable or do not agree on the potential impact of this missense change (SIFT: "Deleterious"; PolyPhen-2: "Probably Damaging"; Align-GVGD: "Class C0"). In summary, the available evidence is currently insufficient to determine the role of this variant in disease. Therefore, it has been classified as a Variant of Uncertain Significance.